The following is an entry in ClinVar:

ClinVar aggregate classification (germline): Pathogenic. Review status: criteria provided, multiple submitters, no conflicts (2 of 4 stars). 3 submissions from 3 submitters: Pathogenic (3). Last evaluated 2026-05-29.

Conditions:
Hereditary cancer-predisposing syndrome. Also called: Neoplastic Syndromes, Hereditary; Tumor predisposition; Hereditary neoplastic syndrome; Hereditary Cancer Syndrome. Identifiers: Orphanet 140162, MedGen C0027672, MeSH D009386, MONDO:0015356.
Familial cancer of breast. Also called: BREAST CANCER, FAMILIAL; Hereditary breast cancer; hereditary breast carcinoma. Identifiers: Orphanet 227535, MedGen C0346153, MONDO:0016419, OMIM 114480. Disease mechanism: loss of function.

Submissions (3):

GeneDx
Classification: Pathogenic. Last evaluated: 2026-05-29. Review status: criteria provided, single submitter. Criteria: GeneDx Variant Classification Process June 2021. Collection method: clinical testing. Allele origin: germline.
Comment: Nonsense variant predicted to result in protein truncation or nonsense mediated decay in a gene for which loss of function is a known mechanism of disease; Not observed at significant frequency in large population cohorts (gnomAD); Truncating variants in this gene are considered pathogenic by a well-established clinical consortium and/or database; Has not been previously published as pathogenic or benign to our knowledge

Myriad Genetics, Inc.
Classification: Pathogenic for Familial cancer of breast. Last evaluated: 2025-03-05. Review status: criteria provided, single submitter. Criteria: Myriad Autosomal Dominant, Autosomal Recessive and X-Linked Classification Criteria (2023). Collection method: clinical testing. Allele origin: unknown.
Comment: This variant is considered pathogenic. This variant creates a termination codon and is predicted to result in premature protein truncation.

Ambry Genetics
Classification: Pathogenic for Hereditary cancer-predisposing syndrome. Last evaluated: 2023-02-16. Review status: criteria provided, single submitter. Criteria: Ambry Variant Classification Scheme 2023. Collection method: clinical testing. Allele origin: germline.
Comment: The p.E94* pathogenic mutation (also known as c.280G>T), located in coding exon 4 of the PALB2 gene, results from a G to T substitution at nucleotide position 280. This changes the amino acid from a glutamic acid to a stop codon within coding exon 4. This alteration is expected to result in loss of function by premature protein truncation or nonsense-mediated mRNA decay. As such, this alteration is interpreted as a disease-causing mutation.

NM_024675.4(PALB2):c.280G>T (p.Glu94Ter)

Gene: PALB2 (partner and localizer of BRCA2; minus strand). Cytogenetic location: 16p12.2.
Variant type: single nucleotide variant.
Coding change: c.280G>T on transcript NM_024675.4 (MANE Select); coding-DNA position 280, G replaced by T.
Protein change: p.Glu94Ter; replaces glutamic acid 94 with a stop codon.
Molecular consequence: nonsense. On other transcripts: 5 prime UTR variant (8), intron variant (3).
Genome position (GRCh38, 1-based): chr16:23,636,266, C>A on the plus strand (G>T on the coding strand, the complement: PALB2 is on the minus strand). VCF-style: chr16-23636266-C-A. GRCh37 (hg19) VCF-style: chr16-23647587-C-A.
Other names: c.280G>T, p.Glu94Ter (NM_001407300.1, NM_001407301.1, NM_001407302.1 and 3 more transcripts); c.-606G>T (NM_001407304.1, NM_001407305.1, NM_001407306.1 and 5 more transcripts); c.48+4844G>T (NM_001407314.1); c.-105+4844G>T (NM_001407313.1, NM_001407312.1); c.220G>T, p.Glu74Ter (NM_001407296.1); short protein forms E74*, E94*.
Identifiers: ClinVar variation 2453308 (VCV002453308.5), dbSNP rs45602040, ClinGen allele CA395138843.